The following is an entry in ClinVar:

NR_003051.3(RMRP):n.-21_-1dupACTCTGTGAAGCTGAGGACGT

Gene: RMRP (RNA component of mitochondrial RNA processing endoribonuclease; minus strand). Cytogenetic location: 9p13.3.
Variant type: Duplication.
Genome position: GRCh38 VCF-style: chr9-35658018-C-CACGTCCTCAGCTTCACAGAGT. GRCh37 (hg19) VCF-style: chr9-35658015-C-CACGTCCTCAGCTTCACAGAGT.
Identifiers: ClinVar variation 1068099 (VCV001068099.7), dbSNP rs1554651387, ClinGen allele CA587570188.

ClinVar aggregate classification (germline): Pathogenic/Likely pathogenic. Review status: criteria provided, multiple submitters, no conflicts (2 of 4 stars). 2 submissions from 2 submitters: Pathogenic (1); Likely pathogenic (1). Last evaluated 2025-11-30.

Conditions:
Metaphyseal chondrodysplasia, McKusick type (CHH). Also called: Cartilage-Hair Hypoplasia (CHH); Cartilage-hair hypoplasia. Identifiers: Orphanet 175, MedGen C0220748, MONDO:0009595, OMIM 250250.
Anauxetic dysplasia. Identifiers: Orphanet 93347, MedGen C1846796, MONDO:0011773.

Submissions (2):

Labcorp Genetics (formerly Invitae), Labcorp
Classification: Pathogenic for Anauxetic dysplasia. Last evaluated: 2025-11-30. Review status: criteria provided, single submitter. Criteria: Invitae Variant Classification Sherloc (09022015). Collection method: clinical testing. Allele origin: germline.
Comment: This variant occurs in the RMRP gene, which encodes an RNA molecule that does not result in a protein product. This variant is present in population databases (no rsID available, gnomAD 0.06%). While this particular variant has not been reported in the literature, it is located in the promoter region between the TATA box and the transcription initiation site, and other insertions and duplications immediately upstream of the coding sequence have been reported in individuals affected with cartilage-hair hypoplasia-anauxetic dysplasia (CHH-AD) spectrum disorders (PMID: 16244706, 11207361, 12107819). While functional studies for this variant have not been reported, experimental analyses using patient derived cells, as well as in vitro transfection studies, have shown that promoter insertions result in silencing of RMRP transcription and reduced expression of the gene product (PMID: 11207361, 16254002). For these reasons, this variant has been classified as Pathogenic.

Natera, Inc.
Classification: Likely pathogenic for Cartilage-hair hypoplasia. Last evaluated: 2025-11-04. Review status: criteria provided, single submitter. Criteria: Natera Variant Classification Schema (03/2026). Collection method: clinical testing. Allele origin: germline.
Comment: The n.-21_-1dupACTCTGTGAAGCTGAGGACGT variant in RMRP is a duplication affecting the RMRP promoter region between the TATA box and the transcription initiation site. Other duplications and insertions just upstream of the transcription initiation site have been reported in individuals affected with cartilage-hair hypoplasia (PMID: 11207361, 17937437). This variant is rare in the general population with a frequency below the threshold expected for the associated phenotype(s). Given the available evidence, this variant is classified as Likely pathogenic.

Literature cited by the submitters: PubMed 16244706 (cited by Labcorp Genetics (formerly Invitae), Labcorp); PubMed 11207361 (cited by Labcorp Genetics (formerly Invitae), Labcorp and Natera, Inc.); PubMed 12107819 (cited by Labcorp Genetics (formerly Invitae), Labcorp); PubMed 16254002 (cited by Labcorp Genetics (formerly Invitae), Labcorp); PubMed 17937437 (cited by Natera, Inc.).